The following is an entry in ClinVar:

ClinVar aggregate classification (germline): Pathogenic. Review status: criteria provided, multiple submitters, no conflicts (2 of 4 stars). 2 submissions from 2 submitters: Pathogenic (2). Last evaluated 2025-04-24.

Conditions:
JAG1-related disorder. Also called: JAG1-related condition; JAG1-related disorders.
Alagille syndrome due to a JAG1 point mutation. Also called: HEPATIC DUCTULAR HYPOPLASIA, SYNDROMATIC; Alagille Syndrome 1; JAG1-Related Alagille Syndrome. Identifiers: Orphanet 261619, Orphanet 52, MedGen C1956125, MONDO:0016862, OMIM 118450.

Submissions (2):

PreventionGenetics, part of Exact Sciences
Classification: Pathogenic for JAG1-related condition. Last evaluated: 2025-04-24. Review status: criteria provided, single submitter. Criteria: ACMG Guidelines, 2015. Collection method: clinical testing. Allele origin: germline.
Comment: The JAG1 c.1713dupC variant is predicted to result in a frameshift and premature protein termination (p.Cys572Leufs*2). This variant has been reported in individuals with Alagille syndrome (Warthen et al. 2006. PubMed ID: 16575836; da Palma et al. 2021. PubMed ID: 34185059). This variant has not been reported in a large population database (gnomAD), indicating this variant is rare. Frameshift variants in JAG1 are expected to be pathogenic. This variant is interpreted as pathogenic.

Labcorp Genetics (formerly Invitae), Labcorp
Classification: Pathogenic for Alagille syndrome due to a JAG1 point mutation. Last evaluated: 2021-08-30. Review status: criteria provided, single submitter. Criteria: Invitae Variant Classification Sherloc (09022015). Collection method: clinical testing. Allele origin: germline.

NM_000214.3(JAG1):c.1713dup (p.Cys572fs)

Gene: JAG1 (jagged canonical Notch ligand 1; minus strand). Cytogenetic location: 20p12.2.
Variant type: Duplication.
Coding change: c.1713dup on transcript NM_000214.3 (MANE Select); coding-DNA position 1713, one base duplicated (C; older notation c.1713dupC).
Protein change: p.Cys572fs; shifts the reading frame from cysteine 572.
Molecular consequence: frameshift variant.
Genome position (GRCh38, 1-based): chr20:10,647,967, G duplicated on the plus strand (C on the coding strand, the reverse complement: JAG1 is on the minus strand); the first of 5 consecutive G bases (chr20:10,647,967-10,647,971); duplicating any one gives the same sequence. VCF-style (leftmost placement, unchanged base first): chr20-10647966-A-AG. GRCh37 (hg19) VCF-style: chr20-10628614-A-AG.
Other names: c.1713dup, p.Cys572fs (LRG_1191t1); c.1713dupC (NM_000214.2); short protein forms C572fs.
Identifiers: ClinVar variation 468655 (VCV000468655.5), dbSNP rs1555828546, ClinGen allele CA658656794.
Genomic context (GRCh38, chr20:10,647,966, plus strand): 5'-GGGGACAAAAGGAGCAAGTCTGGAGACAGCCAGGTCCCGGGAGAAGGGAGGTACCTTCAC[A>AG]GGGGGTCGTGCGGCAGTGGTCTTTCAGGTGTGAGCAGTTCTTGCCCTCATAGTCCTCGGG-3'